The following is an entry in ClinVar:

ClinVar aggregate classification (germline): Uncertain significance (1 of 4 stars; one submission).

Allele frequency attached by ClinVar (database versions not stated): ESP Exome Variant Server 0.00008; 1000 Genomes Project 30x 0.00016.

Submission:

Labcorp Genetics (formerly Invitae), Labcorp
Classification: Uncertain significance. Last evaluated: 2025-09-21. Review status: criteria provided, single submitter. Criteria: Invitae Variant Classification Sherloc (09022015). Collection method: clinical testing. Allele origin: germline.
Comment: This sequence change replaces arginine, which is basic and polar, with tryptophan, which is neutral and slightly polar, at codon 325 of the RNF31 protein (p.Arg325Trp). This variant is present in population databases (rs375860323, gnomAD 0.006%). This variant has not been reported in the literature in individuals affected with RNF31-related conditions. ClinVar contains an entry for this variant (Variation ID: 2173531). An algorithm developed to predict the effect of missense changes on protein structure and function outputs the following: PolyPhen-2: "Benign". The tryptophan amino acid residue is found in multiple mammalian species, which suggests that this missense change does not adversely affect protein function. In summary, the available evidence is currently insufficient to determine the role of this variant in disease. Therefore, it has been classified as a Variant of Uncertain Significance.

NM_017999.5(RNF31):c.973C>T (p.Arg325Trp)

Gene: RNF31 (ring finger protein 31; plus strand). Cytogenetic location: 14q12.
Variant type: single nucleotide variant.
Coding change: c.973C>T on transcript NM_017999.5 (MANE Select); coding-DNA position 973, C replaced by T.
Protein change: p.Arg325Trp; replaces arginine 325 with tryptophan.
Molecular consequence: missense variant.
Genome position (GRCh38, 1-based): chr14:24,150,224, C>T. VCF-style: chr14-24150224-C-T. GRCh37 (hg19) VCF-style: chr14-24619433-C-T.
Other names: c.520C>T, p.Arg174Trp (NM_001310332.2); short protein forms R325W, R174W.
Identifiers: ClinVar variation 2173531 (VCV002173531.4), dbSNP rs375860323, ClinGen allele CA7125671.
Genomic context (GRCh38, chr14:24,150,224, plus strand): 5'-CACTGTGCTGCCTGTGCCATGCTAAATGAGCCTTGGGCAGTGCTCTGTGTGGCCTGTGAT[C>T]GGCCCCGAGGCTGTAAGGGGTTGGGGTTGGGAACTGAGGGTCCCCAAGGAACTGGAGGCC-3'
Protein context (NP_060469.4, residues 315-335): PWAVLCVACD[Arg325Trp]PRGCKGLGLG